The following is an entry in ClinVar:

NM_016284.5(CNOT1):c.294del (p.Leu99fs)

Gene: CNOT1 (CCR4-NOT transcription complex subunit 1; minus strand). Cytogenetic location: 16q21.
Variant type: Deletion.
Coding change: c.294del on transcript NM_016284.5 (MANE Select); coding-DNA position 294, one base deleted (A; older notation c.294delA).
Protein change: p.Leu99fs; shifts the reading frame from leucine 99.
Molecular consequence: frameshift variant. On other transcripts: non-coding transcript variant (1).
Genome position (GRCh38, 1-based): chr16:58,587,795, T deleted on the plus strand (A on the coding strand, the reverse complement: CNOT1 is on the minus strand). VCF-style (leftmost placement, unchanged base first): chr16-58587794-AT-A. GRCh37 (hg19) VCF-style: chr16-58621698-AT-A.
Other names: c.294del, p.Leu99fs (NM_001265612.2, NM_206999.3); short protein forms L99fs.
Identifiers: ClinVar variation 4712751 (VCV004712751.1).

ClinVar aggregate classification (germline): Uncertain significance (1 of 4 stars; one submission).

Submission:

Labcorp Genetics (formerly Invitae), Labcorp
Classification: Uncertain significance. Last evaluated: 2025-04-19. Review status: criteria provided, single submitter. Criteria: Invitae Variant Classification Sherloc (09022015). Collection method: clinical testing. Allele origin: germline.
Comment: This sequence change creates a premature translational stop signal (p.Leu99Cysfs*7) in the CNOT1 gene. It is expected to result in an absent or disrupted protein product. However, the current clinical and genetic evidence is not sufficient to establish whether loss-of-function variants in CNOT1 cause disease. This variant is not present in population databases (gnomAD no frequency). This variant has not been reported in the literature in individuals affected with CNOT1-related conditions. In summary, the available evidence is currently insufficient to determine the role of this variant in disease. Therefore, it has been classified as a Variant of Uncertain Significance.